The following is an entry in ClinVar:

ClinVar aggregate classification (germline): Uncertain significance. Review status: criteria provided, multiple submitters, no conflicts (2 of 4 stars). 2 submissions from 2 submitters: Uncertain significance (2). Last evaluated 2024-04-12.

Conditions:
Autosomal dominant Alport syndrome (ATS3A). Also called: ALPORT SYNDROME 3A, AUTOSOMAL DOMINANT; Alport syndrome dominant type; Renal failure and sensorineural hearing loss. Identifiers: Orphanet 63, Orphanet 88918, MedGen C5882663, MONDO:0007086, OMIM 104200.
Hematuria, benign familial, 2 (BFH2). Identifiers: MedGen C5830421, MONDO:0958186, OMIM 620320.
Alport syndrome 3b, autosomal recessive. Identifiers: MedGen C5882699, MONDO:0957811, OMIM 620536.

Submissions (2):

Fulgent Genetics
Classification: Uncertain significance for Autosomal dominant Alport syndrome; Hematuria, benign familial, 2; Alport syndrome 3b, autosomal recessive. Last evaluated: 2024-04-12. Review status: criteria provided, single submitter. Criteria: ACMG Guidelines, 2015. Collection method: clinical testing. Allele origin: germline.

Labcorp Genetics (formerly Invitae), Labcorp
Classification: Uncertain significance. Last evaluated: 2021-01-07. Review status: criteria provided, single submitter. Criteria: Invitae Variant Classification Sherloc (09022015). Collection method: clinical testing. Allele origin: germline.
Comment: In summary, the available evidence is currently insufficient to determine the role of this variant in disease. Therefore, it has been classified as a Variant of Uncertain Significance. Advanced modeling of protein sequence and biophysical properties (such as structural, functional, and spatial information, amino acid conservation, physicochemical variation, residue mobility, and thermodynamic stability) performed at Invitae indicates that this missense variant is expected to disrupt COL4A3 protein function. This variant has not been reported in the literature in individuals with COL4A3-related conditions. This variant is not present in population databases (ExAC no frequency). This sequence change replaces glycine with glutamic acid at codon 646 of the COL4A3 protein (p.Gly646Glu). The glycine residue is highly conserved and there is a moderate physicochemical difference between glycine and glutamic acid.

NM_000091.5(COL4A3):c.1937G>A (p.Gly646Glu)

Genes: COL4A3 (collagen type IV alpha 3 chain; plus strand), MFF-DT (MFF divergent transcript; minus strand). Cytogenetic location: 2q36.3.
Variant type: single nucleotide variant.
Coding change: c.1937G>A on transcript NM_000091.5 (MANE Select); coding-DNA position 1937, G replaced by A.
Protein change: p.Gly646Glu; replaces glycine 646 with glutamic acid.
Molecular consequence: missense variant.
Genome position (GRCh38, 1-based): chr2:227,276,394, G>A. VCF-style: chr2-227276394-G-A. GRCh37 (hg19) VCF-style: chr2-228141110-G-A.
Other names: short protein forms G646E.
Identifiers: ClinVar variation 1375439 (VCV001375439.9), dbSNP rs2106124459, ClinGen allele CA350846074.